The following is an entry in ClinVar:

NM_052865.4(MGME1):c.429ACA[1] (p.Gln145del)

Genes: MGME1 (mitochondrial genome maintenance exonuclease 1; plus strand), LOC126862983 (CDK7 strongly-dependent group 2 enhancer GRCh37_chr20:17950167-17951366; plus strand). Cytogenetic location: 20p11.23.
Variant type: Microsatellite.
Coding change: c.429ACA[1] on transcript NM_052865.4 (MANE Select); one copy of the 3-base unit ACA starting at c.429; the reference has two copies in a row; one copy, 3 bases deleted.
Protein change: p.Gln145del; deletes glutamine 145.
Molecular consequence: intron variant (on NM_001363738.2).
Genome position (GRCh38, 1-based): chr20:17,970,291-17,970,293, ACA deleted; deleting any 3 consecutive bases within chr20:17,970,287-17,970,293 gives the same sequence; the position shown is the placement nearest the transcript's 3' end. VCF-style (leftmost placement, unchanged base first): chr20-17970286-AAAC-A. GRCh37 (hg19) VCF-style: chr20-17950929-AAAC-A.
Other names: c.429ACA[1], p.Gln145del (NM_001310338.2, NM_001310339.2); c.271+161_271+163del (NM_001363738.2); short protein forms Q145del.
Identifiers: ClinVar variation 3707819 (VCV003707819.2).

ClinVar aggregate classification (germline): Uncertain significance (1 of 4 stars; one submission).

Submission:

Labcorp Genetics (formerly Invitae), Labcorp
Classification: Uncertain significance. Last evaluated: 2024-04-06. Review status: criteria provided, single submitter. Criteria: Invitae Variant Classification Sherloc (09022015). Collection method: clinical testing. Allele origin: germline.
Comment: This variant, c.432_434del, results in the deletion of 1 amino acid(s) of the MGME1 protein (p.Gln145del), but otherwise preserves the integrity of the reading frame. This variant is present in population databases (rs780829003, gnomAD 0.03%). This variant has not been reported in the literature in individuals affected with MGME1-related conditions. Experimental studies and prediction algorithms are not available or were not evaluated, and the functional significance of this variant is currently unknown. In summary, the available evidence is currently insufficient to determine the role of this variant in disease. Therefore, it has been classified as a Variant of Uncertain Significance.